The following is an entry in ClinVar:

ClinVar aggregate classification (germline): Uncertain significance. Review status: criteria provided, multiple submitters, no conflicts (2 of 4 stars). 2 submissions from 2 submitters: Uncertain significance (2). Last evaluated 2025-11-03.

Conditions:
Immunodeficiency 39 (IMD39). Identifiers: Orphanet 574918, MedGen C4225358, MONDO:0014597, OMIM 616345.

Allele frequency attached by ClinVar (database versions not stated): ExAC 0.00002; TOPMed 0.00002; gnomAD 0.00003 and 0.00004.

Submissions (2):

Labcorp Genetics (formerly Invitae), Labcorp
Classification: Uncertain significance for Immunodeficiency 39. Last evaluated: 2025-11-03. Review status: criteria provided, single submitter. Criteria: Invitae Variant Classification Sherloc (09022015). Collection method: clinical testing. Allele origin: germline.
Comment: This sequence change replaces arginine, which is basic and polar, with cysteine, which is neutral and slightly polar, at codon 116 of the IRF7 protein (p.Arg116Cys). The frequency data for this variant in the population databases is considered unreliable, as metrics indicate poor data quality at this position in the gnomAD database. This variant has not been reported in the literature in individuals affected with IRF7-related conditions. ClinVar contains an entry for this variant (Variation ID: 663132). Invitae Evidence Modeling of protein sequence and biophysical properties (such as structural, functional, and spatial information, amino acid conservation, physicochemical variation, residue mobility, and thermodynamic stability) has been performed for this missense variant. However, the output from this modeling did not meet the statistical confidence thresholds required to predict the impact of this variant on IRF7 protein function. In summary, the available evidence is currently insufficient to determine the role of this variant in disease. Therefore, it has been classified as a Variant of Uncertain Significance.

Ambry Genetics
Classification: Uncertain significance. Last evaluated: 2025-03-26. Review status: criteria provided, single submitter. Criteria: Ambry Variant Classification Scheme 2023. Collection method: clinical testing. Allele origin: germline.

NM_001572.5(IRF7):c.307C>T (p.Arg103Cys)

Gene: IRF7 (interferon regulatory factor 7; minus strand). Cytogenetic location: 11p15.5.
Variant type: single nucleotide variant.
Coding change: c.307C>T on transcript NM_001572.5 (MANE Select); coding-DNA position 307, C replaced by T.
Protein change: p.Arg103Cys; replaces arginine 103 with cysteine.
Molecular consequence: missense variant.
Genome position (GRCh38, 1-based): chr11:614,884, G>A on the plus strand (C>T on the coding strand, the complement: IRF7 is on the minus strand). VCF-style: chr11-614884-G-A. GRCh37 (hg19) VCF-style: chr11-614884-G-A.
Other names: c.307C>T, p.Arg103Cys (NM_004029.4, LRG_1313t1); c.346C>T, p.Arg116Cys (NM_004031.4); short protein forms R103C, R116C.
Identifiers: ClinVar variation 663132 (VCV000663132.12), dbSNP rs754142854, ClinGen allele CA5784004.